The following is an entry in ClinVar:

ClinVar aggregate classification (germline): Uncertain significance. Review status: criteria provided, multiple submitters, no conflicts (2 of 4 stars). 2 submissions from 2 submitters: Uncertain significance (2). Last evaluated 2024-05-28.

Conditions:
Multiple congenital anomalies-hypotonia-seizures syndrome 2 (MCAHS2). Also called: EPILEPTIC ENCEPHALOPATHY, EARLY INFANTILE, 20; GLYCOSYLPHOSPHATIDYLINOSITOL BIOSYNTHESIS DEFECT 4. Identifiers: Orphanet 300496, MedGen C3275508, MONDO:0010466, OMIM 300868.

Submissions (2):

GeneDx
Classification: Uncertain significance. Last evaluated: 2024-05-28. Review status: criteria provided, single submitter. Criteria: GeneDx Variant Classification Process June 2021. Collection method: clinical testing. Allele origin: germline. Affected: yes.
Comment: In-frame deletion of 1 amino acid in a non-repeat region; Not observed at significant frequency in large population cohorts (gnomAD); In silico analysis indicates that this variant does not alter protein structure/function; Has not been previously published as pathogenic or benign to our knowledge

Labcorp Genetics (formerly Invitae), Labcorp
Classification: Uncertain significance for Multiple congenital anomalies-hypotonia-seizures syndrome 2. Last evaluated: 2024-01-02. Review status: criteria provided, single submitter. Criteria: Invitae Variant Classification Sherloc (09022015). Collection method: clinical testing. Allele origin: germline.
Comment: This variant, c.1399_1401del, results in the deletion of 1 amino acid(s) of the PIGA protein (p.Asn467del), but otherwise preserves the integrity of the reading frame. This variant is not present in population databases (gnomAD no frequency). This variant has not been reported in the literature in individuals affected with PIGA-related conditions. Experimental studies and prediction algorithms are not available or were not evaluated, and the functional significance of this variant is currently unknown. In summary, the available evidence is currently insufficient to determine the role of this variant in disease. Therefore, it has been classified as a Variant of Uncertain Significance.

NM_002641.4(PIGA):c.1399_1401del (p.Asn467del)

Gene: PIGA (phosphatidylinositol glycan anchor biosynthesis class A; minus strand). Cytogenetic location: Xp22.2.
Variant type: Deletion.
Coding change: c.1399_1401del on transcript NM_002641.4 (MANE Select); coding-DNA positions 1399 to 1401, 3 bases deleted (AAC; older notation c.1399_1401delAAC).
Protein change: p.Asn467del; deletes asparagine 467.
Molecular consequence: inframe deletion. On other transcripts: inframe indel (1), non-coding transcript variant (2).
Genome position (GRCh38, 1-based): chrX:15,321,560-15,321,562, GTT deleted on the plus strand (AAC on the coding strand, the reverse complement: PIGA is on the minus strand). VCF-style (leftmost placement, unchanged base first): chrX-15321559-AGTT-A. GRCh37 (hg19) VCF-style: chrX-15339681-AGTT-A.
Other names: c.1399_1401del (NM_002641.3); c.1399_1401delAAC, p.Asn467del (NM_002641.3); c.697_699del, p.Asn233del (NM_020473.3); short protein forms N233del, N467del.
Identifiers: ClinVar variation 2763358 (VCV002763358.4), dbSNP rs2519321491, ClinGen allele CA2697552861.